The following is an entry in ClinVar:

NM_003072.5(SMARCA4):c.673G>C (p.Val225Leu)

Gene: SMARCA4 (SWI/SNF related BAF chromatin remodeling complex subunit ATPase 4; plus strand). Cytogenetic location: 19p13.2.
Variant type: single nucleotide variant.
Coding change: c.673G>C on transcript NM_003072.5 (MANE Select); coding-DNA position 673, G replaced by C.
Protein change: p.Val225Leu; replaces valine 225 with leucine.
Molecular consequence: missense variant. On other transcripts: non-coding transcript variant (1).
Genome position (GRCh38, 1-based): chr19:10,986,506, G>C. VCF-style: chr19-10986506-G-C. GRCh37 (hg19) VCF-style: chr19-11097182-G-C.
Other names: c.673G>C, p.Val225Leu (NM_001128844.3, NM_001128845.2, NM_001128846.2 and 6 more transcripts); short protein forms V225L.
Identifiers: ClinVar variation 3446024 (VCV003446024.1).

ClinVar aggregate classification (germline): Uncertain significance (1 of 4 stars; one submission).

Conditions:
Hereditary cancer-predisposing syndrome. Also called: Tumor predisposition; Neoplastic Syndromes, Hereditary; Hereditary neoplastic syndrome; Hereditary Cancer Syndrome. Identifiers: Orphanet 140162, MedGen C0027672, MeSH D009386, MONDO:0015356.

Submission:

Ambry Genetics
Classification: Uncertain significance for Hereditary cancer-predisposing syndrome. Last evaluated: 2024-11-03. Review status: criteria provided, single submitter. Criteria: Ambry Variant Classification Scheme 2023. Collection method: clinical testing. Allele origin: germline.
Comment: The p.V225L variant (also known as c.673G>C), located in coding exon 3 of the SMARCA4 gene, results from a G to C substitution at nucleotide position 673. The valine at codon 225 is replaced by leucine, an amino acid with highly similar properties. This amino acid position is conserved. In addition, this alteration is predicted to be tolerated by in silico analysis. Based on the available evidence, the clinical significance of this variant remains unclear.